The following is an entry in ClinVar:

ClinVar aggregate classification (germline): Benign/Likely benign. Review status: criteria provided, multiple submitters, no conflicts (2 of 4 stars). 14 submissions from 14 submitters: Benign (11); Likely benign (1). 2 of the submissions do not count toward it. Last evaluated 2026-02-04.

Conditions:
Catecholaminergic polymorphic ventricular tachycardia 2. Also called: CASQ2-Related Catecholaminergic Polymorphic Ventricular Tachycardia; VENTRICULAR TACHYCARDIA, STRESS-INDUCED POLYMORPHIC 2. Identifiers: Orphanet 3286, MedGen C2677794, MONDO:0012762, OMIM 611938.
Cardiomyopathy (CMYO). Also called: Cardiomyopathies. Identifiers: Orphanet 167848, MedGen C0878544, MONDO:0004994, HP:0001638. Inheritance: Various modes of inheritance.
Catecholaminergic polymorphic ventricular tachycardia 1. Also called: VENTRICULAR TACHYCARDIA, CATECHOLAMINERGIC POLYMORPHIC, 1, WITH OR WITHOUT ATRIAL DYSFUNCTION AND/OR DILATED CARDIOMYOPATHY; RYR2-Related Catecholaminergic Polymorphic Ventricular Tachycardia; VENTRICULAR TACHYCARDIA, STRESS-INDUCED POLYMORPHIC 1. Identifiers: Orphanet 3286, MedGen C1631597, MONDO:0011484, OMIM 604772.
Catecholaminergic polymorphic ventricular tachycardia (CVPT). Also called: Catecholamine-induced polymorphic ventricular tachycardia. Identifiers: Orphanet 3286, MedGen C5574922, MONDO:0017990.

Allele frequency attached by ClinVar (database versions not stated): gnomAD exomes 0.00528; gnomAD 0.02121 and 0.01977; ESP Exome Variant Server 0.02122; ExAC 0.00668; 1000 Genomes Project 0.01757; 1000 Genomes Project 30x 0.01921; TOPMed 0.02229.
gnomAD v4.1: 6,398 of 1,609,258 alleles (0.4%); highest among the groups gnomAD compares: African/African-American, 6.7%; 187 homozygotes.

Submissions (14):

Labcorp Genetics (formerly Invitae), Labcorp
Classification: Benign for Catecholaminergic polymorphic ventricular tachycardia 1. Last evaluated: 2026-02-04. Review status: criteria provided, single submitter. Criteria: Invitae Variant Classification Sherloc (09022015). Collection method: clinical testing. Allele origin: germline.

ARUP Laboratories, Molecular Genetics and Genomics, ARUP Laboratories
Classification: Benign for Catecholaminergic polymorphic ventricular tachycardia 2. Last evaluated: 2025-05-20. Review status: criteria provided, single submitter. Criteria: ARUP Molecular Germline Variant Investigation Process 2024. Collection method: clinical testing. Allele origin: germline.

Molecular Diagnostic Laboratory for Inherited Cardiovascular Disease, Montreal Heart Institute
Classification: Benign. Last evaluated: 2025-04-09. Review status: criteria provided, single submitter. Criteria: ACMG Guidelines, 2015. Collection method: clinical testing. Allele origin: germline. Affected: no.

Genome-Nilou Lab
Classification: Benign for Catecholaminergic polymorphic ventricular tachycardia 2. Last evaluated: 2023-04-11. Review status: criteria provided, single submitter. Criteria: ACMG Guidelines, 2015. Collection method: clinical testing. Allele origin: germline. Affected: no.

Mayo Clinic Laboratories, Mayo Clinic
Classification: Benign. Last evaluated: 2023-04-06. Review status: criteria provided, single submitter. Criteria: ACMG Guidelines, 2015. Collection method: clinical testing. Allele origin: germline. Observed: 12 variant alleles.

Illumina Laboratory Services, Illumina
Classification: Benign for Catecholaminergic polymorphic ventricular tachycardia 2. Last evaluated: 2018-01-13. Review status: criteria provided, single submitter. Criteria: ICSL Variant Classification Criteria 13 December 2019. Collection method: clinical testing. Allele origin: germline.
Comment: This variant was observed in the ICSL laboratory as part of a predisposition screen in an ostensibly healthy population. It had not been previously curated by ICSL or reported in the Human Gene Mutation Database (HGMD: prior to June 1st, 2018), and was therefore a candidate for classification through an automated scoring system. Utilizing variant allele frequency, disease prevalence and penetrance estimates, and inheritance mode, an automated score was calculated to assess if this variant is too frequent to cause the disease. Based on the score and internal cut-off values, a variant classified as benign is not then subjected to further curation. The score for this variant resulted in a classification of benign for this disease.

CHEO Genetics Diagnostic Laboratory, Children's Hospital of Eastern Ontario
Classification: Benign for Cardiomyopathy. Last evaluated: 2016-07-25. Review status: criteria provided, single submitter. Criteria: ACMG Guidelines, 2015. Collection method: clinical testing. Allele origin: germline. Study: Canadian Open Genetics Repository.

Genome Diagnostics Laboratory, University Medical Center Utrecht
Classification: Benign for Catecholaminergic polymorphic ventricular tachycardia 2. Last evaluated: 2016-01-14. Review status: criteria provided, single submitter. Criteria: ACGS Guidelines, 2013. Collection method: clinical testing. Allele origin: germline. Affected: yes. Study: VKGL Data-share Consensus.

Clinical Genetics DNA and cytogenetics Diagnostics Lab, Erasmus MC, Erasmus Medical Center
Classification: Benign for Catecholaminergic polymorphic ventricular tachycardia 2. Last evaluated: 2015-09-21. Review status: criteria provided, single submitter. Criteria: ACGS Guidelines, 2013. Collection method: clinical testing. Allele origin: germline. Affected: yes. Study: VKGL Data-share Consensus.

GeneDx
Classification: Benign. Last evaluated: 2015-03-03. Review status: criteria provided, single submitter. Criteria: GeneDx Variant Classification Process June 2021. Collection method: clinical testing. Allele origin: germline. Affected: yes.

Laboratory for Molecular Medicine, Mass General Brigham Personalized Medicine
Classification: Benign. Last evaluated: 2012-05-22. Review status: criteria provided, single submitter. Criteria: LMM Criteria. Collection method: clinical testing. Allele origin: germline. Observed: 42 variant alleles.
Comment: 5.9% (221/3738) Afr Amer chrom (ESP)

Breakthrough Genomics
Classification: Likely benign. Review status: criteria provided, single submitter. Criteria: ACMG Guidelines, 2015. Collection method: not provided. Allele origin: germline. Inheritance: Autosomal recessive inheritance. Affected: yes.

Cohesion Phenomics
Classification: Likely benign for Catecholaminergic polymorphic ventricular tachycardia. Last evaluated: 2022-09-23. Review status: no assertion criteria provided. Criteria: ACMG Guidelines, 2015. Collection method: clinical testing. Allele origin: germline. Affected: yes. Not counted in ClinVar's aggregate classification.

Clinical Genetics, Academic Medical Center
Classification: Benign. Review status: no assertion criteria provided. Collection method: clinical testing. Allele origin: germline. Affected: yes. Study: VKGL Data-share Consensus. Not counted in ClinVar's aggregate classification.

NM_001232.4(CASQ2):c.1014+9C>T

Gene: CASQ2 (calsequestrin 2; minus strand). Cytogenetic location: 1p13.1.
Variant type: single nucleotide variant.
Coding change: c.1014+9C>T on transcript NM_001232.4 (MANE Select); 9 bases into the intron after coding-DNA position 1014, C replaced by T.
Molecular consequence: intron variant.
Genome position (GRCh38, 1-based): chr1:115,702,912, G>A on the plus strand (C>T on the coding strand, the complement: CASQ2 is on the minus strand). VCF-style: chr1-115702912-G-A. GRCh37 (hg19) VCF-style: chr1-116245533-G-A.
Other names: p.?.
Identifiers: ClinVar variation 44153 (VCV000044153.38), dbSNP rs77775029, ClinGen allele CA133688.